The following is an entry in ClinVar:

ClinVar aggregate classification (germline): Uncertain significance (1 of 4 stars; one submission).

gnomAD v4.1: 12 of 1,614,116 alleles (0.00074%); highest among the groups gnomAD compares: Admixed American, 0.0033%; no homozygotes.

Submission:

GeneDx
Classification: Uncertain significance. Last evaluated: 2024-02-06. Review status: criteria provided, single submitter. Criteria: GeneDx Variant Classification Process June 2021. Collection method: clinical testing. Allele origin: germline. Affected: yes.
Comment: Not observed at significant frequency in large population cohorts (gnomAD); In silico analysis supports that this missense variant does not alter protein structure/function; Has not been previously published as pathogenic or benign to our knowledge

NM_002435.3(MPI):c.184C>A (p.Leu62Ile)

Gene: MPI (mannose phosphate isomerase; plus strand). Cytogenetic location: 15q24.1.
Variant type: single nucleotide variant.
Coding change: c.184C>A on transcript NM_002435.3 (MANE Select); coding-DNA position 184, C replaced by A.
Protein change: p.Leu62Ile; replaces leucine 62 with isoleucine.
Molecular consequence: missense variant.
Genome position (GRCh38, 1-based): chr15:74,891,418, C>A. VCF-style: chr15-74891418-C-A. GRCh37 (hg19) VCF-style: chr15-75183759-C-A.
Other names: c.184C>A, p.Leu62Ile (NM_001289155.2, NM_001289157.2); c.34C>A, p.Leu12Ile (NM_001289156.2); c.124C>A, p.Leu42Ile (NM_001330372.2); short protein forms L12I, L42I, L62I.
Identifiers: ClinVar variation 3368745 (VCV003368745.1).
Genomic context (GRCh38, chr15:74,891,418, plus strand): 5'-CCAAGTTTCCTGTCTTTCCAGTTGTGGATGGGGACTCACCCCCGAGGGGATGCCAAGATC[C>A]TTGACAACCGCATCTCACAGAAGACCCTAAGCCAGTGGATTGCTGAGAACCAGGACAGCT-3'
Protein context (NP_002426.1, residues 52-72): GTHPRGDAKI[Leu62Ile]DNRISQKTLS